The following is an entry in ClinVar:

NM_001009944.3(PKD1):c.3162-6C>T

Gene: PKD1 (polycystin 1, transient receptor potential channel interacting; minus strand). Cytogenetic location: 16p13.3.
Variant type: single nucleotide variant.
Coding change: c.3162-6C>T on transcript NM_001009944.3 (MANE Select); 6 bases into the intron before coding-DNA position 3162, C replaced by T.
Molecular consequence: intron variant.
Genome position (GRCh38, 1-based): chr16:2,112,479, G>A on the plus strand (C>T on the coding strand, the complement: PKD1 is on the minus strand). VCF-style: chr16-2112479-G-A. GRCh37 (hg19) VCF-style: chr16-2162480-G-A.
Other names: c.3162-6C>T (NM_000296.4, NM_001009944.2).
Identifiers: ClinVar variation 4927924 (VCV004927924.2).
Genomic context (GRCh38, chr16:2,112,479, plus strand): 5'-GTTGTACGGAGGCTGGAACTGGTGGAGGGCCTGCTCCCCATCCCCAAAGGTCCACCTGCC[G>A]GGGCGGTGGGACGCAGTGAGTGAACCGGGACAGGGGTGGGCGGTGGCGGGGCAGGGGGTG-3'

ClinVar aggregate classification (germline): Likely benign. Review status: criteria provided, multiple submitters, no conflicts (2 of 4 stars). 2 submissions from 2 submitters: Likely benign (2). Last evaluated 2025-05-20.

Conditions:
PKD1-related disorder. Also called: PKD1-related condition.

gnomAD v4.1: 22 of 1,586,694 alleles (0.0014%); highest among the groups gnomAD compares: African/African-American, 0.0067%; no homozygotes.

Submissions (2):

PreventionGenetics, part of Exact Sciences
Classification: Likely benign for PKD1-related condition. Last evaluated: 2025-05-20. Review status: criteria provided, single submitter. Criteria: ACMG Guidelines, 2015. Collection method: clinical testing. Allele origin: germline.
Comment: This variant is classified as likely benign based on ACMG/AMP sequence variant interpretation guidelines (Richards et al. 2015 PMID: 25741868, with internal and published modifications).

Blueprint Genetics
Classification: Likely benign. Last evaluated: 2024-07-10. Review status: criteria provided, single submitter. Criteria: ACMG Guidelines, 2015. Collection method: clinical testing. Allele origin: germline.